The following is an entry in ClinVar:

NM_002382.5(MAX):c.168G>C (p.Glu56Asp)

Genes: MAX (MYC associated transcriptional regulator X; minus strand), MAX-AS1 (MAX antisense RNA 1; plus strand). Cytogenetic location: 14q23.3.
Variant type: single nucleotide variant.
Coding change: c.168G>C on transcript NM_002382.5 (MANE Select); coding-DNA position 168, G replaced by C.
Protein change: p.Glu56Asp; replaces glutamic acid 56 with aspartic acid.
Molecular consequence: missense variant. On other transcripts: non-coding transcript variant (12), 5 prime UTR variant (6), intron variant (1).
Genome position (GRCh38, 1-based): chr14:65,093,711, C>G on the plus strand (G>C on the coding strand, the complement: MAX is on the minus strand). VCF-style: chr14-65093711-C-G. GRCh37 (hg19) VCF-style: chr14-65560429-C-G.
Other names: c.141G>C, p.Glu47Asp (NM_001271068.2, NM_001271069.2, NM_001407095.1 and 9 more transcripts); c.-107G>C (NM_001320415.2, NM_001407105.1, NM_001407106.1 and 1 more transcripts); c.168G>C, p.Glu56Asp (NM_001407094.1, NM_001407096.1, NM_001407097.1 and 5 more transcripts); c.-200G>C (NM_001407111.1, NM_001407112.1); c.191G>C, p.Arg64Thr (NM_001407114.1); c.63+7835G>C (NM_001407098.1); short protein forms R64T, E56D, E47D.
Identifiers: ClinVar variation 4645826 (VCV004645826.1).
Genomic context (GRCh38, chr14:65,093,711, plus strand): 5'-CTGCAACAAGTTCCAAGCTAGTAGTGGCCAGCTACTCAGCTTTCTCAGGAAACTCACCTT[C>G]TCTCCTTGGAGTGATGGGACTGAGTCCCGCAAACTGTGAAAGCTGTCTTTGATGTGGTCC-3'
Protein context (NP_002373.3, residues 46-66): LRDSVPSLQG[Glu56Asp]KASRAQILDK

ClinVar aggregate classification (germline): Uncertain significance (1 of 4 stars; one submission).

Conditions:
Hereditary cancer-predisposing syndrome. Also called: Neoplastic Syndromes, Hereditary; Tumor predisposition; Hereditary Cancer Syndrome; Hereditary neoplastic syndrome. Identifiers: Orphanet 140162, MedGen C0027672, MeSH D009386, MONDO:0015356.

Submission:

Ambry Genetics
Classification: Uncertain significance for Hereditary cancer-predisposing syndrome. Last evaluated: 2025-11-08. Review status: criteria provided, single submitter. Criteria: Ambry Variant Classification Scheme 2023. Collection method: clinical testing. Allele origin: germline.
Comment: The p.E56D variant (also known as c.168G>C), located in coding exon 3 of the MAX gene, results from a G to C substitution at nucleotide position 168. The glutamic acid at codon 56 is replaced by aspartic acid, an amino acid with highly similar properties. This amino acid position is conserved. In addition, the in silico prediction for this alteration is inconclusive. Based on the available evidence, the clinical significance of this variant remains unclear.